The following is an entry in ClinVar:

ClinVar aggregate classification (germline): Uncertain significance (1 of 4 stars; one submission).

Conditions:
Charcot-Marie-Tooth Neuropathy X. Identifiers: MedGen CN118851.
Combined oxidative phosphorylation deficiency. Identifiers: MedGen C4540031, MONDO:0000732.

Submission:

Labcorp Genetics (formerly Invitae), Labcorp
Classification: Uncertain significance for Charcot-Marie-Tooth Neuropathy X; Combined oxidative phosphorylation deficiency. Last evaluated: 2024-06-25. Review status: criteria provided, single submitter. Criteria: Invitae Variant Classification Sherloc (09022015). Collection method: clinical testing. Allele origin: germline.
Comment: This sequence change falls in intron 1 of the AIFM1 gene. It does not directly change the encoded amino acid sequence of the AIFM1 protein. This variant is not present in population databases (gnomAD no frequency). This variant has not been reported in the literature in individuals affected with AIFM1-related conditions. ClinVar contains an entry for this variant (Variation ID: 1352349). Algorithms developed to predict the effect of sequence changes on RNA splicing suggest that this variant may disrupt the consensus splice site. In summary, the available evidence is currently insufficient to determine the role of this variant in disease. Therefore, it has been classified as a Variant of Uncertain Significance.

NM_004208.4(AIFM1):c.106+20C>T

Genes: AIFM1 (apoptosis inducing factor mitochondria associated 1; minus strand), RAB33A (RAB33A, member RAS oncogene family; plus strand), LOC130068679 (ATAC-STARR-seq lymphoblastoid active region 29939; plus strand). Cytogenetic location: Xq26.1.
Variant type: single nucleotide variant.
Coding change: c.106+20C>T on transcript NM_004208.4 (MANE Select); 20 bases into the intron after coding-DNA position 106, C replaced by T.
Molecular consequence: intron variant.
Genome position (GRCh38, 1-based): chrX:130,165,531, G>A on the plus strand (C>T on the coding strand, the complement: AIFM1 is on the minus strand). VCF-style: chrX-130165531-G-A. GRCh37 (hg19) VCF-style: chrX-129299505-G-A.
Other names: c.106+20C>T (NM_145812.3, NM_001130847.4).
Identifiers: ClinVar variation 1352349 (VCV001352349.8), dbSNP rs2124682291, ClinGen allele CA2573159259.